The following is an entry in ClinVar:

ClinVar aggregate classification (germline): Uncertain significance (1 of 4 stars; one submission).

Conditions:
Congenital disorder of glycosylation, type Ii. Also called: ALG2-CDG; CDG Ii; ALG2-congenital disorder of glycosylation. Identifiers: Orphanet 79326, MedGen C1842836, MONDO:0011933, OMIM 607906.
Congenital myasthenic syndrome 14. Also called: Myasthenic syndrome, congenital, 14, with tubular aggregates. Identifiers: Orphanet 353327, Orphanet 590, MedGen C4015597, MONDO:0014543, OMIM 616228.

Allele frequency attached by ClinVar (database versions not stated): TOPMed below 0.00001; gnomAD exomes below 0.00001.
gnomAD v4.1: 1 of 1,614,230 alleles (0.000062%); highest among the groups gnomAD compares: Non-Finnish European, 0.000085%; no homozygotes.

Submission:

Labcorp Genetics (formerly Invitae), Labcorp
Classification: Uncertain significance for Congenital disorder of glycosylation, type Ii; Congenital myasthenic syndrome 14. Last evaluated: 2021-08-11. Review status: criteria provided, single submitter. Criteria: Invitae Variant Classification Sherloc (09022015). Collection method: clinical testing. Allele origin: germline.
Comment: In summary, the available evidence is currently insufficient to determine the role of this variant in disease. Therefore, it has been classified as a Variant of Uncertain Significance. Algorithms developed to predict the effect of missense changes on protein structure and function (SIFT, PolyPhen-2, Align-GVGD) all suggest that this variant is likely to be disruptive. This variant has not been reported in the literature in individuals affected with ALG2-related conditions. This variant is not present in population databases (ExAC no frequency). This sequence change replaces tyrosine with cysteine at codon 320 of the ALG2 protein (p.Tyr320Cys). The tyrosine residue is highly conserved and there is a large physicochemical difference between tyrosine and cysteine.

NM_033087.4(ALG2):c.959A>G (p.Tyr320Cys)

Gene: ALG2 (ALG2 alpha-1,3/1,6-mannosyltransferase; minus strand). Cytogenetic location: 9q22.33.
Variant type: single nucleotide variant.
Coding change: c.959A>G on transcript NM_033087.4 (MANE Select); coding-DNA position 959, A replaced by G.
Protein change: p.Tyr320Cys; replaces tyrosine 320 with cysteine.
Molecular consequence: missense variant. On other transcripts: non-coding transcript variant (1).
Genome position (GRCh38, 1-based): chr9:99,218,226, T>C on the plus strand (A>G on the coding strand, the complement: ALG2 is on the minus strand). VCF-style: chr9-99218226-T-C. GRCh37 (hg19) VCF-style: chr9-101980508-T-C.
Other names: short protein forms Y320C.
Identifiers: ClinVar variation 1445584 (VCV001445584.8), dbSNP rs1828728819, ClinGen allele CA374226771.